The following is an entry in ClinVar:

ClinVar aggregate classification (germline): Uncertain significance (1 of 4 stars; one submission).

Conditions:
Inborn genetic diseases. Identifiers: MedGen C0950123, MeSH D030342.

Submission:

Ambry Genetics
Classification: Uncertain significance for Inborn genetic diseases. Last evaluated: 2026-09-05. Review status: criteria provided, single submitter. Criteria: Ambry Variant Classification Scheme 2023. Collection method: clinical testing. Allele origin: germline.
Comment: The p.F1135L variant (also known as c.3403T>C), located in coding exon 34 of the FANCA gene, results from a T to C substitution at nucleotide position 3403. The phenylalanine at codon 1135 is replaced by leucine, an amino acid with highly similar properties. This amino acid position is conserved. In addition, the in silico prediction for this alteration is inconclusive. Based on the available evidence, the clinical significance of this variant remains unclear.

NM_000135.4(FANCA):c.3403T>C (p.Phe1135Leu)

Genes: FANCA (FA complementation group A; minus strand), LOC132090450 (Neanderthal introgressed variant-containing enhancer experimental_46718; plus strand). Cytogenetic location: 16q24.3.
Variant type: single nucleotide variant.
Coding change: c.3403T>C on transcript NM_000135.4 (MANE Select); coding-DNA position 3403, T replaced by C.
Protein change: p.Phe1135Leu; replaces phenylalanine 1135 with leucine.
Molecular consequence: missense variant.
Genome position (GRCh38, 1-based): chr16:89,746,836, A>G on the plus strand (T>C on the coding strand, the complement: FANCA is on the minus strand). VCF-style: chr16-89746836-A-G. GRCh37 (hg19) VCF-style: chr16-89813244-A-G.
Other names: c.3403T>C, p.Phe1135Leu (NM_001286167.3); short protein forms F1135L.
Identifiers: ClinVar variation 5036442 (VCV005036442.1).